The following is an entry in ClinVar:

NM_173076.3(ABCA12):c.7209C>G (p.Ala2403=)

Genes: SNHG31 (small nucleolar RNA host gene 31; plus strand), ABCA12 (ATP binding cassette subfamily A member 12; minus strand). Cytogenetic location: 2q35.
Variant type: single nucleotide variant.
Coding change: c.7209C>G on transcript NM_173076.3 (MANE Select); coding-DNA position 7209, C replaced by G.
Protein change: p.Ala2403=; no amino-acid change (alanine 2403 retained).
Molecular consequence: synonymous variant. On other transcripts: non-coding transcript variant (1).
Genome position (GRCh38, 1-based): chr2:214,947,452, G>C on the plus strand (C>G on the coding strand, the complement: ABCA12 is on the minus strand). VCF-style: chr2-214947452-G-C. GRCh37 (hg19) VCF-style: chr2-215812176-G-C.
Other names: c.6255C>G, p.Ala2085= (NM_015657.4).
Identifiers: ClinVar variation 2057085 (VCV002057085.9), dbSNP rs746403011, ClinGen allele CA2090716.

ClinVar aggregate classification (germline): Benign/Likely benign. Review status: criteria provided, multiple submitters, no conflicts (2 of 4 stars). 2 submissions from 2 submitters: Benign (1); Likely benign (1). Last evaluated 2025-12-01.

Allele frequency attached by ClinVar (database versions not stated): TOPMed below 0.00001; gnomAD 0.00002.
gnomAD v4.1: 104 of 1,613,790 alleles (0.0064%); highest among the groups gnomAD compares: South Asian, 0.058%; 3 homozygotes.

Submissions (2):

CeGaT Center for Human Genetics Tuebingen
Classification: Likely benign. Last evaluated: 2025-12-01. Review status: criteria provided, single submitter. Criteria: CeGaT Center For Human Genetics Tuebingen Variant Classification Criteria Version 2. Collection method: clinical testing. Allele origin: germline. Affected: yes. Observed: 1 variant allele.
Comment: ABCA12: BP4, BP7

Labcorp Genetics (formerly Invitae), Labcorp
Classification: Benign. Last evaluated: 2025-08-21. Review status: criteria provided, single submitter. Criteria: Invitae Variant Classification Sherloc (09022015). Collection method: clinical testing. Allele origin: germline.